The following is an entry in ClinVar:

NM_170707.4(LMNA):c.1157+18C>T

Gene: LMNA (lamin A/C; plus strand). Cytogenetic location: 1q22.
Variant type: single nucleotide variant.
Coding change: c.1157+18C>T on transcript NM_170707.4 (MANE Select); 18 bases into the intron after coding-DNA position 1157, C replaced by T.
Molecular consequence: intron variant.
Genome position (GRCh38, 1-based): chr1:156,136,139, C>T. VCF-style: chr1-156136139-C-T. GRCh37 (hg19) VCF-style: chr1-156105930-C-T.
Other names: c.1157+18C>T (NM_001282625.2, NM_001282626.2, NM_170708.4 and 2 more transcripts); c.821+18C>T (NM_001257374.3); c.914+18C>T (NM_001282624.2).
Identifiers: ClinVar variation 378089 (VCV000378089.11), dbSNP rs372021174, ClinGen allele CA049033.

ClinVar aggregate classification (germline): Likely benign. Review status: criteria provided, multiple submitters, no conflicts (2 of 4 stars). 5 submissions from 5 submitters: Likely benign (5). Last evaluated 2026-01-14.

Conditions:
LMNA-related disorder. Also called: LMNA-related disorders; LMNA-related condition; LMNA-related disease. Identifiers: MedGen CN380145.
Charcot-Marie-Tooth disease type 2. Also called: Charcot-Marie-Tooth type 2. Identifiers: Orphanet 64746, MedGen C0270914, MONDO:0018993.

Allele frequency attached by ClinVar (database versions not stated): ExAC 0.00001; gnomAD 0.00002 and 0.00003; gnomAD exomes 0.00003; TOPMed 0.00003; ESP Exome Variant Server 0.00008.
gnomAD v4.1: 50 of 1,613,640 alleles (0.0031%); highest among the groups gnomAD compares: Middle Eastern, 0.05%; no homozygotes.

Submissions (5):

Labcorp Genetics (formerly Invitae), Labcorp
Classification: Likely benign for Charcot-Marie-Tooth disease type 2. Last evaluated: 2026-01-14. Review status: criteria provided, single submitter. Criteria: Invitae Variant Classification Sherloc (09022015). Collection method: clinical testing. Allele origin: germline.

PreventionGenetics, part of Exact Sciences
Classification: Likely benign for LMNA-related condition. Last evaluated: 2025-10-02. Review status: criteria provided, single submitter. Criteria: ACMG Guidelines, 2015. Collection method: clinical testing. Allele origin: germline.
Comment: This variant is classified as likely benign based on ACMG/AMP sequence variant interpretation guidelines (Richards et al. 2015 PMID: 25741868, with internal and published modifications).

Blueprint Genetics
Classification: Likely benign. Last evaluated: 2024-03-28. Review status: criteria provided, single submitter. Criteria: ACMG Guidelines, 2015. Collection method: clinical testing. Allele origin: germline.

GeneDx
Classification: Likely benign. Last evaluated: 2016-10-10. Review status: criteria provided, single submitter. Criteria: GeneDx Variant Classification (06012015). Collection method: clinical testing. Allele origin: germline. Affected: yes.
Comment: This variant is considered likely benign or benign based on one or more of the following criteria: it is a conservative change, it occurs at a poorly conserved position in the protein, it is predicted to be benign by multiple in silico algorithms, and/or has population frequency not consistent with disease.

Breakthrough Genomics
Classification: Likely benign. Review status: criteria provided, single submitter. Criteria: ACMG Guidelines, 2015. Collection method: not provided. Allele origin: germline. Inheritance: Autosomal recessive inheritance. Affected: yes.